The following is an entry in ClinVar:

NM_000540.3(RYR1):c.14928C>T (p.Phe4976=)

Gene: RYR1 (ryanodine receptor 1; plus strand). Cytogenetic location: 19q13.2.
Variant type: single nucleotide variant.
Coding change: c.14928C>T on transcript NM_000540.3 (MANE Select); coding-DNA position 14928, C replaced by T.
Protein change: p.Phe4976=; no amino-acid change (phenylalanine 4976 retained).
Molecular consequence: synonymous variant.
Genome position (GRCh38, 1-based): chr19:38,586,150, C>T. VCF-style: chr19-38586150-C-T. GRCh37 (hg19) VCF-style: chr19-39076790-C-T.
Other names: c.14913C>T, p.Phe4971= (NM_001042723.2).
Identifiers: ClinVar variation 1547670 (VCV001547670.9), dbSNP rs368874586, ClinGen allele CA507246649.
Genomic context (GRCh38, chr19:38,586,150, plus strand): 5'-GACCAAGTGCTTCATCTGTGGAATCGGCAGTGACTACTTTGATACGACACCGCATGGCTT[C>T]GAGACTCACACGCTGGAGGAGCACAACCTGGCCAATTACATGTGAGCAGACACACTGGCC-3'
Protein context (NP_000531.2, residues 4966-4986): SDYFDTTPHG[Phe4976=]ETHTLEEHNL

ClinVar aggregate classification (germline): Likely benign. Review status: criteria provided, multiple submitters, no conflicts (2 of 4 stars). 2 submissions from 2 submitters: Likely benign (2). Last evaluated 2024-04-09.

Conditions:
RYR1-related disorder. Also called: RYR1-related condition; RYR1-related disorders. Identifiers: MedGen CN239331.
Malignant hyperthermia, susceptibility to, 1 (MHS1). Also called: RYR1-Related Malignant Hyperthermia Susceptibility; Anesthesia related hyperthermia; Malignant hyperpyrexia; Fulminating hyperpyrexia; Pharmacogenic myopathy; Malignant hyperthermia suceptibility 1. Identifiers: Orphanet 423, MedGen C2930980, MONDO:0007783, OMIM 145600.

gnomAD v4.1: 13 of 1,613,890 alleles (0.00081%); highest among the groups gnomAD compares: South Asian, 0.0055%; no homozygotes.

Submissions (2):

Labcorp Genetics (formerly Invitae), Labcorp
Classification: Likely benign for RYR1-related disorder. Last evaluated: 2024-04-09. Review status: criteria provided, single submitter. Criteria: Invitae Variant Classification Sherloc (09022015). Collection method: clinical testing. Allele origin: germline.

All of Us Research Program, National Institutes of Health
Classification: Likely benign for Malignant hyperthermia, susceptibility to, 1. Last evaluated: 2023-12-13. Review status: criteria provided, single submitter. Criteria: ACMG Guidelines, 2015. Collection method: clinical testing. Allele origin: germline. Inheritance: Autosomal dominant inheritance. Observed: 2 variant alleles, 2 heterozygotes.
Comment: This study involves interpretation of variants in research participants for the purpose of population health screening. Participant phenotype was not available at the time of variant classification. Additional details can be found in publication PMID: 35346344, PMCID: PMC8962531